The following is an entry in ClinVar:

NM_144643.4(SCLT1):c.950C>A (p.Ala317Glu)

Gene: SCLT1 (sodium channel and clathrin linker 1; minus strand). Cytogenetic location: 4q28.2.
Variant type: single nucleotide variant.
Coding change: c.950C>A on transcript NM_144643.4 (MANE Select); coding-DNA position 950, C replaced by A.
Protein change: p.Ala317Glu; replaces alanine 317 with glutamic acid.
Molecular consequence: missense variant.
Genome position (GRCh38, 1-based): chr4:128,959,697, G>T on the plus strand (C>A on the coding strand, the complement: SCLT1 is on the minus strand). VCF-style: chr4-128959697-G-T. GRCh37 (hg19) VCF-style: chr4-129880852-G-T.
Other names: c.950C>A, p.Ala317Glu (NM_001410807.1); short protein forms A317E.
Identifiers: ClinVar variation 2134245 (VCV002134245.4), dbSNP rs1739516107, ClinGen allele CA358188792.

ClinVar aggregate classification (germline): Uncertain significance (1 of 4 stars; one submission).

Allele frequency attached by ClinVar (database versions not stated): TOPMed below 0.00001; gnomAD 0.00001.
gnomAD v4.1: 1 of 1,613,084 alleles (0.000062%); highest among the groups gnomAD compares: Non-Finnish European, 0.000085%; no homozygotes.

Submission:

Labcorp Genetics (formerly Invitae), Labcorp
Classification: Uncertain significance. Last evaluated: 2025-03-17. Review status: criteria provided, single submitter. Criteria: Invitae Variant Classification Sherloc (09022015). Collection method: clinical testing. Allele origin: germline.
Comment: This sequence change replaces alanine, which is neutral and non-polar, with glutamic acid, which is acidic and polar, at codon 317 of the SCLT1 protein (p.Ala317Glu). This variant is not present in population databases (gnomAD no frequency). This variant has not been reported in the literature in individuals affected with SCLT1-related conditions. ClinVar contains an entry for this variant (Variation ID: 2134245). An algorithm developed to predict the effect of missense changes on protein structure and function (PolyPhen-2) suggests that this variant is likely to be tolerated. In summary, the available evidence is currently insufficient to determine the role of this variant in disease. Therefore, it has been classified as a Variant of Uncertain Significance.